The following is an entry in ClinVar:

NM_001040142.2(SCN2A):c.3267A>T (p.Glu1089Asp)

Gene: SCN2A (sodium voltage-gated channel alpha subunit 2; plus strand). Cytogenetic location: 2q24.3.
Variant type: single nucleotide variant.
Coding change: c.3267A>T on transcript NM_001040142.2 (MANE Select); coding-DNA position 3267, A replaced by T.
Protein change: p.Glu1089Asp; replaces glutamic acid 1089 with aspartic acid.
Molecular consequence: missense variant.
Genome position (GRCh38, 1-based): chr2:165,354,539, A>T. VCF-style: chr2-165354539-A-T. GRCh37 (hg19) VCF-style: chr2-166211049-A-T.
Other names: c.3267A>T, p.Glu1089Asp (NM_001040143.2, NM_001371246.1, NM_001371247.1 and 1 more transcripts); short protein forms E1089D.
Identifiers: ClinVar variation 4784750 (VCV004784750.1).

ClinVar aggregate classification (germline): Uncertain significance (1 of 4 stars; one submission).

Conditions:
Developmental and epileptic encephalopathy, 11 (DEE11). Also called: Early infantile epileptic encephalopathy 11. Identifiers: Orphanet 1934, MedGen C3150987, MONDO:0013388, OMIM 613721.
Seizures, benign familial infantile, 3 (BFIS3). Also called: CONVULSIONS, BENIGN FAMILIAL INFANTILE, 3; Familial neonatal seizures. Identifiers: Orphanet 140927, Orphanet 306, MedGen C1843140, MONDO:0011904, OMIM 607745.

gnomAD v4.1: 2 of 1,614,132 alleles (0.00012%); highest among the groups gnomAD compares: Non-Finnish European, 0.00017%; no homozygotes.

Submission:

Labcorp Genetics (formerly Invitae), Labcorp
Classification: Uncertain significance for Seizures, benign familial infantile, 3; Developmental and epileptic encephalopathy, 11. Last evaluated: 2025-08-30. Review status: criteria provided, single submitter. Criteria: Invitae Variant Classification Sherloc (09022015). Collection method: clinical testing. Allele origin: germline.
Comment: This sequence change replaces glutamic acid, which is acidic and polar, with aspartic acid, which is acidic and polar, at codon 1089 of the SCN2A protein (p.Glu1089Asp). This variant is present in population databases (rs750574846, gnomAD 0.0009%). This variant has not been reported in the literature in individuals affected with SCN2A-related conditions. Invitae Evidence Modeling of protein sequence and biophysical properties (such as structural, functional, and spatial information, amino acid conservation, physicochemical variation, residue mobility, and thermodynamic stability) indicates that this missense variant is not expected to disrupt SCN2A protein function with a negative predictive value of 95%. In summary, the available evidence is currently insufficient to determine the role of this variant in disease. Therefore, it has been classified as a Variant of Uncertain Significance.